The following is an entry in ClinVar:

NM_001377.3(DYNC2H1):c.3252del (p.Glu1085fs)

Gene: DYNC2H1 (dynein cytoplasmic 2 heavy chain 1; plus strand). Cytogenetic location: 11q22.3.
Variant type: Deletion.
Coding change: c.3252del on transcript NM_001377.3 (MANE Select); coding-DNA position 3252, one base deleted (A; older notation c.3252delA).
Protein change: p.Glu1085fs; shifts the reading frame from glutamic acid 1085.
Molecular consequence: frameshift variant.
Genome position (GRCh38, 1-based): chr11:103,153,458, A deleted; the last of 4 consecutive A bases (chr11:103,153,455-103,153,458); deleting any one gives the same sequence. VCF-style (leftmost placement, unchanged base first): chr11-103153454-TA-T. GRCh37 (hg19) VCF-style: chr11-103024183-TA-T.
Other names: c.3252del, p.Glu1085fs (NM_001080463.2); short protein forms E1085fs.
Identifiers: ClinVar variation 5015618 (VCV005015618.1).

ClinVar aggregate classification (germline): Pathogenic (1 of 4 stars; one submission).

Conditions:
Asphyxiating thoracic dystrophy 3. Also called: SHORT-RIB THORACIC DYSPLASIA 3 WITH OR WITHOUT POLYDACTYLY; POLYDACTYLY WITH NEONATAL CHONDRODYSTROPHY, TYPE I; SHORT-RIB THORACIC DYSPLASIA 3/6 WITH POLYDACTYLY, DIGENIC; Short rib polydactyly syndrome 2B; Saldino-Noonan Syndrome. Identifiers: Orphanet 474, Orphanet 93269, Orphanet 93270, Orphanet 93271, MedGen C0036069, MONDO:0013127, OMIM 613091.

Submission:

Myriad Genetics, Inc.
Classification: Pathogenic for Asphyxiating thoracic dystrophy 3. Last evaluated: 2026-02-26. Review status: criteria provided, single submitter. Criteria: Myriad Autosomal Dominant, Autosomal Recessive and X-Linked Classification Criteria (2023). Collection method: clinical testing. Allele origin: unknown.
Comment: NM_001377.2(DYNC2H1):c.3252delA(E1085Rfs*79) is expected to be pathogenic in the context of DYNC2H1-related disorders. This variant is predicted to lead to an abnormal or absent protein product due to the creation of a premature termination codon in DYNC2H1, a gene where loss-of-function variants are known to be pathogenic. Please note: this variant was assessed in the context of healthy population screening.